The following is an entry in ClinVar:

ClinVar aggregate classification (germline): Likely benign (1 of 4 stars; one submission).

Conditions:
Breast-ovarian cancer, familial, susceptibility to, 2 (BROVCA2). Also called: BRCA2 Hereditary Breast and Ovarian Cancer. Identifiers: Orphanet 145, MedGen C2675520, MONDO:0012933, OMIM 612555. Disease mechanism: loss of function.

gnomAD v4.1: 1 of 1,607,552 alleles (0.000062%); highest among the groups gnomAD compares: South Asian, 0.0011%; no homozygotes.

Submission:

Cancer Bioinformatics and Tumour Evolution Laboratory, Monash University
Classification: Likely benign for Breast-ovarian cancer, familial, susceptibility to, 2. Last evaluated: 2026-05-01. Review status: criteria provided, single submitter. Criteria: ClinGen BRCA1 and BRCA2 Guidelines, 2024. Collection method: curation. Allele origin: germline. Inheritance: Autosomal dominant inheritance.
Comment: Missense variant outside of a functional domain with no splice impact. BRCA1 and BRCA2 VCEP guidelines recommend application of BP1_Strong (PMID: 39142283)

NM_000059.4(BRCA2):c.1294G>A (p.Glu432Lys)

Gene: BRCA2 (BRCA2 DNA repair associated; plus strand). Cytogenetic location: 13q13.1.
Variant type: single nucleotide variant.
Coding change: c.1294G>A on transcript NM_000059.4 (MANE Select); coding-DNA position 1294, G replaced by A.
Protein change: p.Glu432Lys; replaces glutamic acid 432 with lysine.
Molecular consequence: missense variant. On other transcripts: non-coding transcript variant (1), intron variant (1).
Genome position (GRCh38, 1-based): chr13:32,332,772, G>A. VCF-style: chr13-32332772-G-A. GRCh37 (hg19) VCF-style: chr13-32906909-G-A.
Other names: c.1294G>A, p.Glu432Lys (NM_001406719.1, NM_001406720.1, NM_001406721.1 and 1 more transcripts); c.424+1742G>A (NM_001406722.1); short protein forms E432K.
Identifiers: ClinVar variation 4856595 (VCV004856595.1).